The following is an entry in ClinVar:

ClinVar aggregate classification (germline): Pathogenic (1 of 4 stars; one submission).

Submission:

Labcorp Genetics (formerly Invitae), Labcorp
Classification: Pathogenic. Last evaluated: 2022-08-05. Review status: criteria provided, single submitter. Criteria: Invitae Variant Classification Sherloc (09022015). Collection method: clinical testing. Allele origin: germline.
Comment: A gross deletion of the genomic region encompassing the full coding sequence of the RP2 gene has been identified. Loss-of-function variants in RP2 are known to be pathogenic (PMID: 11992260, 20625056). The boundaries of this event are unknown as they extend beyond the assayed region for this gene and therefore may encompass additional genes. A similar copy number variant has been observed in individual(s) with clinical features of retinitis pigmentosa (PMID: 16969763). For these reasons, this variant has been classified as Pathogenic.

Literature cited by the submitters: PubMed 11992260; PubMed 20625056; PubMed 16969763.

NC_000023.10:g.(?_46480392)_(46739204_?)del

Genes: RP2 (RP2 activator of ARL3 GTPase; plus strand), SLC9A7 (solute carrier family 9 member A7; minus strand). Cytogenetic location: Xp11.23.
Variant type: Deletion.
Identifiers: ClinVar variation 2425660 (VCV002425660.3).